The following is an entry in ClinVar:

ClinVar aggregate classification (germline): Uncertain significance (1 of 4 stars; one submission).

Conditions:
Mucopolysaccharidosis, MPS-III-C (MPS3C). Also called: MPS IIIC (Sanfilippo Syndrome Type C); MUCOPOLYSACCHARIDOSIS, TYPE IIIC; Mucopolysaccharidosis type IIIC (Sanfilippo C); mucopolysaccharidosis type 3C; SANFILIPPO SYNDROME C; MPS III C. Identifiers: Orphanet 581, Orphanet 79271, MedGen C0086649, MONDO:0009657, OMIM 252930.

Submission:

Baylor Genetics
Classification: Uncertain significance for Mucopolysaccharidosis, MPS-III-C. Last evaluated: 2019-10-12. Review status: criteria provided, single submitter. Criteria: ACMG Guidelines, 2015. Collection method: clinical testing. Allele origin: unknown. Affected: yes.
Comment: This variant was determined to be of uncertain significance according to ACMG Guidelines, 2015 [PMID:25741868].

NM_152419.3(HGSNAT):c.1457G>T (p.Gly486Val)

Gene: HGSNAT (heparan-alpha-glucosaminide N-acetyltransferase; plus strand). Cytogenetic location: 8p11.21.
Variant type: single nucleotide variant.
Coding change: c.1457G>T on transcript NM_152419.3 (MANE Select); coding-DNA position 1457, G replaced by T.
Protein change: p.Gly486Val; replaces glycine 486 with valine.
Molecular consequence: missense variant.
Genome position (GRCh38, 1-based): chr8:43,193,836, G>T. VCF-style: chr8-43193836-G-T. GRCh37 (hg19) VCF-style: chr8-43048979-G-T.
Other names: c.1457G>T, p.Gly486Val (NM_001363227.2); c.1265G>T, p.Gly422Val (NM_001363228.2); c.593G>T, p.Gly198Val (NM_001363229.2); short protein forms G486V, G198V, G422V.
Identifiers: ClinVar variation 1030257 (VCV001030257.1), dbSNP rs1804622640, ClinGen allele CA371119977.